The following is an entry in ClinVar:

NM_004963.4(GUCY2C):c.1303G>A (p.Ala435Thr)

Gene: GUCY2C (guanylate cyclase 2C; minus strand). Cytogenetic location: 12p12.3.
Variant type: single nucleotide variant.
Coding change: c.1303G>A on transcript NM_004963.4 (MANE Select); coding-DNA position 1303, G replaced by A.
Protein change: p.Ala435Thr; replaces alanine 435 with threonine.
Molecular consequence: missense variant.
Genome position (GRCh38, 1-based): chr12:14,661,042, C>T on the plus strand (G>A on the coding strand, the complement: GUCY2C is on the minus strand). VCF-style: chr12-14661042-C-T. GRCh37 (hg19) VCF-style: chr12-14813976-C-T.
Other names: short protein forms A435T.
Identifiers: ClinVar variation 1957458 (VCV001957458.5), dbSNP rs1432121496, ClinGen allele CA383994142.

ClinVar aggregate classification (germline): Uncertain significance (1 of 4 stars; one submission).

Allele frequency attached by ClinVar (database versions not stated): TOPMed below 0.00001.
gnomAD v4.1: 4 of 1,612,228 alleles (0.00025%); highest among the groups gnomAD compares: Non-Finnish European, 0.00034%; no homozygotes.

Submission:

Labcorp Genetics (formerly Invitae), Labcorp
Classification: Uncertain significance. Last evaluated: 2025-11-25. Review status: criteria provided, single submitter. Criteria: Invitae Variant Classification Sherloc (09022015). Collection method: clinical testing. Allele origin: germline.
Comment: This sequence change replaces alanine, which is neutral and non-polar, with threonine, which is neutral and polar, at codon 435 of the GUCY2C protein (p.Ala435Thr). This variant is present in population databases (no rsID available, gnomAD 0.0009%). This variant has not been reported in the literature in individuals affected with GUCY2C-related conditions. ClinVar contains an entry for this variant (Variation ID: 1957458). Invitae Evidence Modeling of protein sequence and biophysical properties (such as structural, functional, and spatial information, amino acid conservation, physicochemical variation, residue mobility, and thermodynamic stability) indicates that this missense variant is not expected to disrupt GUCY2C protein function with a negative predictive value of 80%. In summary, the available evidence is currently insufficient to determine the role of this variant in disease. Therefore, it has been classified as a Variant of Uncertain Significance.